The following is an entry in ClinVar:

ClinVar aggregate classification (germline): Pathogenic. Review status: criteria provided, multiple submitters, no conflicts (2 of 4 stars). 2 submissions from 2 submitters: Pathogenic (2). Last evaluated 2024-04-04.

Conditions:
Congenital stationary night blindness 1C. Also called: Night blindness, congenital stationary (complete), 1C, autosomal recessive. Identifiers: Orphanet 215, MedGen C2750747, MONDO:0013183, OMIM 613216.

Submissions (2):

Genomic Medicine Center of Excellence, King Faisal Specialist Hospital and Research Centre
Classification: Pathogenic for Congenital stationary night blindness 1C. Last evaluated: 2024-04-04. Review status: criteria provided, single submitter. Criteria: ACMG Guidelines, 2015. Collection method: clinical testing. Allele origin: germline.

Labcorp Genetics (formerly Invitae), Labcorp
Classification: Pathogenic. Last evaluated: 2022-02-09. Review status: criteria provided, single submitter. Criteria: Invitae Variant Classification Sherloc (09022015). Collection method: clinical testing. Allele origin: germline.
Comment: For these reasons, this variant has been classified as Pathogenic. This premature translational stop signal has been observed in individual(s) with night blindness (PMID: 31908403). It has also been observed to segregate with disease in related individuals. This variant is not present in population databases (gnomAD no frequency). This sequence change creates a premature translational stop signal (p.Thr760Profs*110) in the TRPM1 gene. It is expected to result in an absent or disrupted protein product. Loss-of-function variants in TRPM1 are known to be pathogenic (PMID: 19896113, 19966281, 20300565).

Literature cited by the submitters: PubMed 31908403 (cited by Labcorp Genetics (formerly Invitae), Labcorp); PubMed 19896113 (cited by Labcorp Genetics (formerly Invitae), Labcorp); PubMed 19966281 (cited by Labcorp Genetics (formerly Invitae), Labcorp); PubMed 20300565 (cited by Labcorp Genetics (formerly Invitae), Labcorp).

NM_001252024.2(TRPM1):c.2343del (p.Thr782fs)

Gene: TRPM1 (transient receptor potential cation channel subfamily M member 1; minus strand). Cytogenetic location: 15q13.3.
Variant type: Deletion.
Coding change: c.2343del on transcript NM_001252024.2 (MANE Select); coding-DNA position 2343, one base deleted (C; older notation c.2343delC).
Protein change: p.Thr782fs; shifts the reading frame from threonine 782.
Molecular consequence: frameshift variant.
Genome position (GRCh38, 1-based): chr15:31,038,140, G deleted on the plus strand (C on the coding strand, the reverse complement: TRPM1 is on the minus strand); the first of 6 consecutive G bases (chr15:31,038,140-31,038,145); deleting any one gives the same sequence. VCF-style (leftmost placement, unchanged base first): chr15-31038139-TG-T. GRCh37 (hg19) VCF-style: chr15-31330342-TG-T.
Other names: c.2394del, p.Thr799fs (NM_001252020.2); c.2277del, p.Thr760fs (NM_002420.6); short protein forms T760fs, T799fs, T782fs.
Identifiers: ClinVar variation 2137643 (VCV002137643.5), dbSNP rs759370186, ClinGen allele CA489644545.
Genomic context (GRCh38, chr15:31,038,139, plus strand): 5'-TTTCCTTGGATGTTTGATACGAGAAATCATCATATGTGCGAAATTCCAAAAACAAGATGG[TG>T]GGGGGTAGAAGAATCCCCATGATAACCTACGGAACATAAATTGATTTTTTAAGCTGTGGC-3'